The following is an entry in ClinVar:

ClinVar aggregate classification (germline): Uncertain significance (1 of 4 stars; one submission).

Conditions:
RRAS2-related disorder. Also called: RRAS2-related condition.

Submission:

PreventionGenetics, part of Exact Sciences
Classification: Uncertain significance for RRAS2-related condition. Last evaluated: 2022-12-03. Review status: criteria provided, single submitter. Criteria: ACMG Guidelines, 2015. Collection method: clinical testing. Allele origin: germline.
Comment: The RRAS2 c.99G>T variant is predicted to result in the amino acid substitution p.Gln33His. To our knowledge, this variant has not been reported in the literature or in a large population database, indicating this variant is rare. At this time, the clinical significance of this variant is uncertain due to the absence of conclusive functional and genetic evidence.

NM_012250.6(RRAS2):c.99G>T (p.Gln33His)

Gene: RRAS2 (RAS related 2; minus strand). Cytogenetic location: 11p15.2.
Variant type: single nucleotide variant.
Coding change: c.99G>T on transcript NM_012250.6 (MANE Select); coding-DNA position 99, G replaced by T.
Protein change: p.Gln33His; replaces glutamine 33 with histidine.
Molecular consequence: missense variant. On other transcripts: intron variant (1).
Genome position (GRCh38, 1-based): chr11:14,358,772, C>A on the plus strand (G>T on the coding strand, the complement: RRAS2 is on the minus strand). VCF-style: chr11-14358772-C-A. GRCh37 (hg19) VCF-style: chr11-14380318-C-A.
Other names: c.3+5619G>T (NM_001177314.2); short protein forms Q33H.
Identifiers: ClinVar variation 2635614 (VCV002635614.1), dbSNP rs1554955842, ClinGen allele CA379862730.
Genomic context (GRCh38, chr11:14,358,772, plus strand): 5'-AGCCCCCGCCCGCCGCCGCTCCGGCGCCCCGGGCAGGCCCGCTCCAGGTACCTGGATGAA[C>A]TGGATGGTGAGCGCCGACTTGCCCACGCCGCCCCCGCCGACCACCACGAGCCGGTACTTC-3'
Protein context (NP_036382.2, residues 23-43): GGVGKSALTI[Gln33His]FIQSYFVTDY